The following is an entry in ClinVar:

ClinVar aggregate classification (germline): Uncertain significance. Review status: criteria provided, multiple submitters, no conflicts (2 of 4 stars). 3 submissions from 3 submitters: Uncertain significance (3). Last evaluated 2026-01-28.

Conditions:
Seizures, benign familial infantile, 3 (BFIS3). Also called: Familial neonatal seizures; CONVULSIONS, BENIGN FAMILIAL INFANTILE, 3. Identifiers: Orphanet 140927, Orphanet 306, MedGen C1843140, MONDO:0011904, OMIM 607745.
Developmental and epileptic encephalopathy, 11 (DEE11). Also called: Early infantile epileptic encephalopathy 11. Identifiers: Orphanet 1934, MedGen C3150987, MONDO:0013388, OMIM 613721.
Inborn genetic diseases. Identifiers: MedGen C0950123, MeSH D030342.

Submissions (3):

Labcorp Genetics (formerly Invitae), Labcorp
Classification: Uncertain significance for Seizures, benign familial infantile, 3; Developmental and epileptic encephalopathy, 11. Last evaluated: 2026-01-28. Review status: criteria provided, single submitter. Criteria: Invitae Variant Classification Sherloc (09022015). Collection method: clinical testing. Allele origin: germline.
Comment: This sequence change replaces phenylalanine, which is neutral and non-polar, with serine, which is neutral and polar, at codon 807 of the SCN2A protein (p.Phe807Ser). This variant is not present in population databases (gnomAD no frequency). This variant has not been reported in the literature in individuals affected with SCN2A-related conditions. ClinVar contains an entry for this variant (Variation ID: 2313344). Invitae Evidence Modeling of protein sequence and biophysical properties (such as structural, functional, and spatial information, amino acid conservation, physicochemical variation, residue mobility, and thermodynamic stability) has been performed for this missense variant. However, the output from this modeling did not meet the statistical confidence thresholds required to predict the impact of this variant on SCN2A protein function. In summary, the available evidence is currently insufficient to determine the role of this variant in disease. Therefore, it has been classified as a Variant of Uncertain Significance.

GeneDx
Classification: Uncertain significance. Last evaluated: 2025-03-27. Review status: criteria provided, single submitter. Criteria: GeneDx Variant Classification Process June 2021. Collection method: clinical testing. Allele origin: germline. Affected: yes.
Comment: Not observed at significant frequency in large population cohorts (gnomAD); In silico analysis supports that this missense variant has a deleterious effect on protein structure/function; Has not been previously published as pathogenic or benign to our knowledge; This substitution is predicted to be within the transmembrane segment S2 of the second homologous domain

Ambry Genetics
Classification: Uncertain significance for Inborn genetic diseases. Last evaluated: 2022-09-26. Review status: criteria provided, single submitter. Criteria: Ambry Variant Classification Scheme 2023. Collection method: clinical testing. Allele origin: germline.

NM_001040142.2(SCN2A):c.2420T>C (p.Phe807Ser)

Gene: SCN2A (sodium voltage-gated channel alpha subunit 2; plus strand). Cytogenetic location: 2q24.3.
Variant type: single nucleotide variant.
Coding change: c.2420T>C on transcript NM_001040142.2 (MANE Select); coding-DNA position 2420, T replaced by C.
Protein change: p.Phe807Ser; replaces phenylalanine 807 with serine.
Molecular consequence: missense variant.
Genome position (GRCh38, 1-based): chr2:165,342,327, T>C. VCF-style: chr2-165342327-T-C. GRCh37 (hg19) VCF-style: chr2-166198837-T-C.
Other names: c.2420T>C, p.Phe807Ser (NM_001040143.2, NM_001371246.1, NM_001371247.1 and 1 more transcripts); short protein forms F807S.
Identifiers: ClinVar variation 2313344 (VCV002313344.4), dbSNP rs2467998953, ClinGen allele CA349012546.